The following is an entry in ClinVar:

NM_000535.7(PMS2):c.608C>T (p.Thr203Ile)

Gene: PMS2 (PMS1 homolog 2, mismatch repair system component; minus strand). Cytogenetic location: 7p22.1.
Variant type: single nucleotide variant.
Coding change: c.608C>T on transcript NM_000535.7 (MANE Select); coding-DNA position 608, C replaced by T.
Protein change: p.Thr203Ile; replaces threonine 203 with isoleucine.
Molecular consequence: missense variant. On other transcripts: 5 prime UTR variant (2), non-coding transcript variant (1), intron variant (1).
Genome position (GRCh38, 1-based): chr7:5,999,205, G>A on the plus strand (C>T on the coding strand, the complement: PMS2 is on the minus strand). VCF-style: chr7-5999205-G-A. GRCh37 (hg19) VCF-style: chr7-6038836-G-A.
Other names: c.203C>T, p.Thr68Ile (NM_001322003.2, NM_001322004.2, NM_001322005.2 and 2 more transcripts); c.608C>T, p.Thr203Ile (NM_001322006.2, NM_001322014.2); c.290C>T, p.Thr97Ile (NM_001322007.2, NM_001322008.2); c.-326C>T (NM_001322011.2, NM_001322012.2); c.299C>T, p.Thr100Ile (NM_001322015.2); c.133-1782C>T (NM_001322013.2); short protein forms T97I, T100I, T203I, T68I.
Identifiers: ClinVar variation 1418356 (VCV001418356.10), dbSNP rs779946576, ClinGen allele CA366743989.
Genomic context (GRCh38, chr7:5,999,205, plus strand): 5'-ATGCTGGGGCTTCCACCTGTGCATACCACAGGCTGTCGTTTTCCTTGTCCAAGCTGATTG[G>A]TGCAACTTACACGGATGCCTGCTGAAATGATACAGTATGCATGTAAGACCTGGACCATTT-3'
Protein context (NP_000526.2, residues 193-213): IISAGIRVSC[Thr203Ile]NQLGQGKRQP

ClinVar aggregate classification (germline): Uncertain significance. Review status: criteria provided, multiple submitters, no conflicts (2 of 4 stars). 3 submissions from 3 submitters: Uncertain significance (3). Last evaluated 2025-11-24.

Conditions:
Hereditary cancer-predisposing syndrome. Also called: Hereditary Cancer Syndrome; Tumor predisposition; Hereditary neoplastic syndrome; Neoplastic Syndromes, Hereditary. Identifiers: Orphanet 140162, MedGen C0027672, MeSH D009386, MONDO:0015356.
Hereditary nonpolyposis colorectal neoplasms. Identifiers: MedGen C0009405, MeSH D003123.

gnomAD v4.1: 1 of 1,614,024 alleles (0.000062%); highest among the groups gnomAD compares: Non-Finnish European, 0.000085%; no homozygotes.

Submissions (3):

Labcorp Genetics (formerly Invitae), Labcorp
Classification: Uncertain significance for Hereditary nonpolyposis colorectal neoplasms. Last evaluated: 2025-11-24. Review status: criteria provided, single submitter. Criteria: Invitae Variant Classification Sherloc (09022015). Collection method: clinical testing. Allele origin: germline.
Comment: This sequence change replaces threonine, which is neutral and polar, with isoleucine, which is neutral and non-polar, at codon 203 of the PMS2 protein (p.Thr203Ile). This variant is not present in population databases (gnomAD no frequency). This variant has not been reported in the literature in individuals affected with PMS2-related conditions. ClinVar contains an entry for this variant (Variation ID: 1418356). Invitae Evidence Modeling incorporating data from in vitro experimental studies (internal data) indicates that this missense variant is not expected to disrupt PMS2 function with a negative predictive value of 95%. In summary, the available evidence is currently insufficient to determine the role of this variant in disease. Therefore, it has been classified as a Variant of Uncertain Significance.

Ambry Genetics
Classification: Uncertain significance for Hereditary cancer-predisposing syndrome. Last evaluated: 2025-05-29. Review status: criteria provided, single submitter. Criteria: Ambry Variant Classification Scheme 2023. Collection method: clinical testing. Allele origin: germline.
Comment: The p.T203I variant (also known as c.608C>T), located in coding exon 6 of the PMS2 gene, results from a C to T substitution at nucleotide position 608. The threonine at codon 203 is replaced by isoleucine, an amino acid with similar properties. This amino acid position is conserved. In addition, the in silico prediction for this alteration is inconclusive. Since supporting evidence is limited at this time, the clinical significance of this alteration remains unclear.

Color Diagnostics, LLC DBA Color Health
Classification: Uncertain significance for Hereditary cancer-predisposing syndrome. Last evaluated: 2024-05-06. Review status: criteria provided, single submitter. Criteria: ACMG Guidelines, 2015. Collection method: clinical testing. Allele origin: germline.
Comment: This missense variant replaces threonine with isoleucine at codon 203 of the PMS2 protein. Computational prediction suggests that this variant may not impact protein structure and function (internally defined REVEL score threshold <= 0.5, PMID: 27666373). To our knowledge, functional studies have not been reported for this variant. This variant has not been reported in individuals affected with PMS2-related disorders in the literature. This variant has not been identified in the general population by the Genome Aggregation Database (gnomAD). The available evidence is insufficient to determine the role of this variant in disease conclusively. Therefore, this variant is classified as a Variant of Uncertain Significance.